The following is an entry in ClinVar:

ClinVar aggregate classification (germline): Uncertain significance (1 of 4 stars; one submission).

Submission:

Labcorp Genetics (formerly Invitae), Labcorp
Classification: Uncertain significance. Last evaluated: 2022-03-10. Review status: criteria provided, single submitter. Criteria: Invitae Variant Classification Sherloc (09022015). Collection method: clinical testing. Allele origin: germline.
Comment: In summary, the available evidence is currently insufficient to determine the role of this variant in disease. Therefore, it has been classified as a Variant of Uncertain Significance. Algorithms developed to predict the effect of sequence changes on RNA splicing suggest that this variant may create or strengthen a splice site. ClinVar contains an entry for this variant (Variation ID: 965562). This variant has not been reported in the literature in individuals affected with ATF6-related conditions. This variant is not present in population databases (gnomAD no frequency). This sequence change disrupts the translational stop signal of the ATF6 mRNA. It is expected to extend the length of the ATF6 protein by 9 additional amino acid residues.

NM_007348.4(ATF6):c.2011T>C (p.Ter671Gln)

Gene: ATF6 (activating transcription factor 6; plus strand). Cytogenetic location: 1q23.3.
Variant type: single nucleotide variant.
Coding change: c.2011T>C on transcript NM_007348.4 (MANE Select); coding-DNA position 2011, T replaced by C.
Protein change: p.Ter671Gln.
Molecular consequence: stop lost.
Genome position (GRCh38, 1-based): chr1:161,958,652, T>C. VCF-style: chr1-161958652-T-C. GRCh37 (hg19) VCF-style: chr1-161928442-T-C.
Other names: *671Q.
Identifiers: ClinVar variation 965562 (VCV000965562.7), dbSNP rs1689018510, ClinGen allele CA343389430.